The following is an entry in ClinVar:

ClinVar aggregate classification (germline): Uncertain significance (1 of 4 stars; one submission).

Conditions:
Autosomal recessive limb-girdle muscular dystrophy type 2A (LGMDR1). Also called: Limb-girdle muscular dystrophy, type 2A; Muscular dystrophy, limb-girdle, type 2A, Amish; Calpainopathy; LEYDEN-MOEBIUS MUSCULAR DYSTROPHY; MUSCULAR DYSTROPHY, PELVOFEMORAL. Identifiers: Orphanet 267, MedGen C1869123, MONDO:0009675, OMIM 253600. Disease mechanism: loss of function.

gnomAD v4.1: 4 of 1,612,540 alleles (0.00025%); highest among the groups gnomAD compares: South Asian, 0.0011%; no homozygotes.

Submission:

Labcorp Genetics (formerly Invitae), Labcorp
Classification: Uncertain significance for Autosomal recessive limb-girdle muscular dystrophy type 2A. Last evaluated: 2021-10-28. Review status: criteria provided, single submitter. Criteria: Invitae Variant Classification Sherloc (09022015). Collection method: clinical testing. Allele origin: germline.
Comment: This sequence change replaces alanine, which is neutral and non-polar, with serine, which is neutral and polar, at codon 160 of the CAPN3 protein (p.Ala160Ser). This variant is not present in population databases (gnomAD no frequency). This variant has not been reported in the literature in individuals affected with CAPN3-related conditions. Algorithms developed to predict the effect of missense changes on protein structure and function are either unavailable or do not agree on the potential impact of this missense change (SIFT: "Deleterious"; PolyPhen-2: "Probably Damaging"; Align-GVGD: "Class C0"). In summary, the available evidence is currently insufficient to determine the role of this variant in disease. Therefore, it has been classified as a Variant of Uncertain Significance.

NM_000070.3(CAPN3):c.478G>T (p.Ala160Ser)

Genes: CAPN3 (calpain 3; plus strand), LOC126862115 (BRD4-independent group 4 enhancer GRCh37_chr15:42677734-42678933; plus strand). Cytogenetic location: 15q15.1.
Variant type: single nucleotide variant.
Coding change: c.478G>T on transcript NM_000070.3 (MANE Select); coding-DNA position 478, G replaced by T.
Protein change: p.Ala160Ser; replaces alanine 160 with serine.
Molecular consequence: missense variant.
Genome position (GRCh38, 1-based): chr15:42,386,265, G>T. VCF-style: chr15-42386265-G-T. GRCh37 (hg19) VCF-style: chr15-42678463-G-T.
Other names: c.478G>T, p.Ala160Ser (NM_024344.2, NM_173087.2); short protein forms A160S.
Identifiers: ClinVar variation 1500063 (VCV001500063.3), dbSNP rs749697583, ClinGen allele CA391997678.